The following is an entry in ClinVar:

ClinVar aggregate classification (germline): Uncertain significance (1 of 4 stars; one submission).

gnomAD v4.1: 8 of 1,613,760 alleles (0.0005%); highest among the groups gnomAD compares: Non-Finnish European, 0.00068%; no homozygotes.

Submission:

Women's Health and Genetics/Laboratory Corporation of America, LabCorp
Classification: Uncertain significance. Last evaluated: 2024-09-16. Review status: criteria provided, single submitter. Criteria: LabCorp Variant Classification Summary - May 2015. Collection method: clinical testing. Allele origin: germline.
Comment: Variant summary: DPP6 c.2302G>A (p.Glu768Lys) results in a conservative amino acid change located in the Peptidase S9, prolyl oligopeptidase, catalytic domain of the encoded protein sequence. Four of five in-silico tools predict a benign effect of the variant on protein function. Consensus agreement among computation tools predict no significant impact on normal splicing. However, these predictions have yet to be confirmed by functional studies. The variant allele was found at a frequency of 1.2e-05 in 249308 control chromosomes. The available data on variant occurrences in the general population are insufficient to allow any conclusion about variant significance. To our knowledge, no occurrence of c.2302G>A in individuals affected with Mental Retardation, Autosomal Dominant 33 and no experimental evidence demonstrating its impact on protein function have been reported. No submitters have cited clinical-significance assessments for this variant to ClinVar. Based on the evidence outlined above, the variant was classified as uncertain significance.

NM_130797.4(DPP6):c.2302G>A (p.Glu768Lys)

Gene: DPP6 (dipeptidyl peptidase like 6; plus strand). Cytogenetic location: 7q36.2.
Variant type: single nucleotide variant.
Coding change: c.2302G>A on transcript NM_130797.4 (MANE Select); coding-DNA position 2302, G replaced by A.
Protein change: p.Glu768Lys; replaces glutamic acid 768 with lysine.
Molecular consequence: missense variant. On other transcripts: non-coding transcript variant (2).
Genome position (GRCh38, 1-based): chr7:154,887,732, G>A. VCF-style: chr7-154887732-G-A. GRCh37 (hg19) VCF-style: chr7-154679442-G-A.
Other names: c.2110G>A, p.Glu704Lys (NM_001039350.3); c.1981G>A, p.Glu661Lys (NM_001290252.2); c.2119G>A, p.Glu707Lys (NM_001364497.2, NM_001364498.2, NM_001364499.2 and 1 more transcripts); c.2116G>A, p.Glu706Lys (NM_001936.5); short protein forms E661K, E704K, E706K, E707K, E768K.
Identifiers: ClinVar variation 3374780 (VCV003374780.1).